The following is an entry in ClinVar:

ClinVar aggregate classification (germline): Pathogenic/Likely pathogenic. Review status: criteria provided, multiple submitters, no conflicts (2 of 4 stars). 4 submissions from 4 submitters: Pathogenic (1); Likely pathogenic (2). 1 of the submissions does not count toward it. Last evaluated 2025-08-26.

Conditions:
Neuronal ceroid lipofuscinosis 2. Also called: TPP1-Related Neuronal Ceroid-Lipofuscinosis; JANSKY-BIELSCHOWSKY DISEASE NEURONAL CEROID LIPOFUSCINOSIS, LATE INFANTILE. Identifiers: Orphanet 168491, Orphanet 228349, Orphanet 79264, MedGen C1876161, MONDO:0008769, OMIM 204500.

Submissions (4):

GeneDx
Classification: Likely pathogenic. Last evaluated: 2025-08-26. Review status: criteria provided, single submitter. Criteria: GeneDx Variant Classification Process June 2021. Collection method: clinical testing. Allele origin: germline. Affected: yes.
Comment: Published functional studies demonstrate a damaging effect resulting in loss of enzymatic activity in G389E cells (PMID: 11462245); Not observed at significant frequency in large population cohorts (gnomAD); In silico analysis supports that this missense variant has a deleterious effect on protein structure/function; This variant is associated with the following publications: (PMID: 31589614, 19038966, 10477428, 31283065, 14997939, 11462245, 10330339, 31440721, 38185715)

Labcorp Genetics (formerly Invitae), Labcorp
Classification: Pathogenic. Last evaluated: 2024-10-21. Review status: criteria provided, single submitter. Criteria: Invitae Variant Classification Sherloc (09022015). Collection method: clinical testing. Allele origin: germline.
Comment: This sequence change replaces glycine, which is neutral and non-polar, with glutamic acid, which is acidic and polar, at codon 389 of the TPP1 protein (p.Gly389Glu). This variant is not present in population databases (gnomAD no frequency). This missense change has been observed in individual(s) with late-infantile neuronal ceroid lipofuscinosis (PMID: 10330339). ClinVar contains an entry for this variant (Variation ID: 68737). Invitae Evidence Modeling of protein sequence and biophysical properties (such as structural, functional, and spatial information, amino acid conservation, physicochemical variation, residue mobility, and thermodynamic stability) indicates that this missense variant is expected to disrupt TPP1 protein function with a positive predictive value of 95%. Experimental studies have shown that this missense change affects TPP1 function (PMID: 11462245). For these reasons, this variant has been classified as Pathogenic.

Department of Pathology and Laboratory Medicine, Sinai Health System
Classification: Likely pathogenic for Neuronal ceroid lipofuscinosis 2. Last evaluated: 2023-08-09. Review status: criteria provided, single submitter. Criteria: ACMG Guidelines, 2015. Collection method: research. Allele origin: germline.

UniProtKB/Swiss-Prot
No classification provided. Condition: Ceroid lipofuscinosis, neuronal, 2. Review status: no classification provided. Collection method: not provided. Allele origin: not provided. Not counted in ClinVar's aggregate classification.

Literature cited by the submitters: PubMed 10330339 (cited by Labcorp Genetics (formerly Invitae), Labcorp); PubMed 11462245 (cited by Labcorp Genetics (formerly Invitae), Labcorp).

NM_000391.4(TPP1):c.1166G>A (p.Gly389Glu)

Gene: TPP1 (tripeptidyl peptidase 1; minus strand). Cytogenetic location: 11p15.4.
Variant type: single nucleotide variant.
Coding change: c.1166G>A on transcript NM_000391.4 (MANE Select); coding-DNA position 1166, G replaced by A.
Protein change: p.Gly389Glu; replaces glycine 389 with glutamic acid.
Molecular consequence: missense variant.
Genome position (GRCh38, 1-based): chr11:6,615,542, C>T on the plus strand (G>A on the coding strand, the complement: TPP1 is on the minus strand). VCF-style: chr11-6615542-C-T. GRCh37 (hg19) VCF-style: chr11-6636773-C-T.
Other names: 5171G>A; short protein forms G389E.
Identifiers: ClinVar variation 68737 (VCV000068737.12), dbSNP rs121908199, ClinGen allele CA266180.